The following is an entry in ClinVar:

ClinVar aggregate classification (germline): Conflicting classifications of pathogenicity. Review status: criteria provided, conflicting classifications (1 of 4 stars). 5 submissions from 5 submitters: Uncertain significance (1); Likely benign (4). Last evaluated 2026-03-03.

Conditions:
ATP7A-related disorder. Also called: ATP7A-related condition.
Inborn genetic diseases. Identifiers: MedGen C0950123, MeSH D030342.
X-linked distal spinal muscular atrophy type 3. Also called: ATP7A-Related Distal Motor Neuropathy; SPINAL MUSCULAR ATROPHY, DISTAL, X-LINKED RECESSIVE; NEURONOPATHY, DISTAL HEREDITARY MOTOR, X-LINKED; NEUROPATHY, DISTAL HEREDITARY MOTOR, X-LINKED. Identifiers: Orphanet 139557, MedGen C1845359, MONDO:0010338, OMIM 300489.
Cutis laxa, X-linked (OHS). Also called: EDS IX; Occipital horn syndrome. Identifiers: Orphanet 198, MedGen C0268353, MONDO:0010572, OMIM 304150.
Menkes kinky-hair syndrome (MNK). Also called: Menkes Disease; Copper transport disease; Classic Menkes Disease. Identifiers: Orphanet 565, MedGen C0022716, MONDO:0010651, OMIM 309400.

Submissions (5):

PreventionGenetics, part of Exact Sciences
Classification: Likely benign for ATP7A-related condition. Last evaluated: 2026-03-03. Review status: criteria provided, single submitter. Criteria: ACMG Guidelines, 2015. Collection method: clinical testing. Allele origin: germline.
Comment: This variant is classified as likely benign based on ACMG/AMP sequence variant interpretation guidelines (Richards et al. 2015 PMID: 25741868, with internal and published modifications).

Labcorp Genetics (formerly Invitae), Labcorp
Classification: Likely benign for X-linked distal spinal muscular atrophy type 3; Cutis laxa, X-linked; Menkes kinky-hair syndrome. Last evaluated: 2025-12-10. Review status: criteria provided, single submitter. Criteria: Invitae Variant Classification Sherloc (09022015). Collection method: clinical testing. Allele origin: germline.

Mayo Clinic Laboratories, Mayo Clinic
Classification: Likely benign. Last evaluated: 2025-05-08. Review status: criteria provided, single submitter. Criteria: ACMG Guidelines, 2015. Collection method: clinical testing. Allele origin: germline. Observed: 1 variant allele.
Comment: BS2_supporting, BP4, BP7

GeneDx
Classification: Likely benign. Last evaluated: 2021-02-25. Review status: criteria provided, single submitter. Criteria: GeneDx Variant Classification Process June 2021. Collection method: clinical testing. Allele origin: germline. Affected: yes.
Comment: Located in a region that tolerates variation and lacks pathogenic variants; In silico analysis supports that this variant does not alter splicing

Ambry Genetics
Classification: Uncertain significance for Inborn genetic diseases. Last evaluated: 2017-10-12. Review status: criteria provided, single submitter. Criteria: Ambry Variant Classification Scheme 2023. Collection method: clinical testing. Allele origin: germline.
Comment: The c.121-2delA intronic variant, located in intron 1 of the ATP7A gene, results from a deletion of one nucleotide within intron 1 of the ATP7A gene. This nucleotide position is highly conserved in available vertebrate species. Using the BDGP and ESEfinder splice site prediction tools, this alteration is not predicted to have any significant effect on this splice acceptor/donor site; however, direct evidence is unavailable. Since supporting evidence is limited at this time, the clinical significance of this alteration remains unclear.

NM_000052.7(ATP7A):c.121-2del

Gene: ATP7A (ATPase copper transporting alpha; plus strand). Cytogenetic location: Xq21.1.
Variant type: Deletion.
Coding change: c.121-2del on transcript NM_000052.7 (MANE Select); the canonical splice acceptor site of the intron before coding-DNA position 121, one base deleted (A; older notation c.121-2delA).
Molecular consequence: splice acceptor variant.
Genome position (GRCh38, 1-based): chrX:77,988,240, A deleted; the last of 4 consecutive A bases (chrX:77,988,237-77,988,240); deleting any one gives the same sequence. VCF-style (leftmost placement, unchanged base first): chrX-77988236-CA-C. GRCh37 (hg19) VCF-style: chrX-77243732-CA-C.
Other names: c.121-2del (NM_001282224.2); c.121-2delA (NM_000052.6).
Identifiers: ClinVar variation 451772 (VCV000451772.18), dbSNP rs1287511385, ClinGen allele CA642488832.